The following is an entry in ClinVar:

ClinVar aggregate classification (germline): Pathogenic/Likely pathogenic. Review status: no assertion criteria provided (0 of 4 stars). 3 submissions from 3 submitters: Pathogenic (2); Likely pathogenic (1). Last evaluated 2026-03-16.

Conditions:
Oocyte maturation defect 6. Also called: OOCYTE/ZYGOTE/EMBRYO MATURATION ARREST 6. Identifiers: MedGen C5193047, MONDO:0032696, OMIM 618353.
Empty follicle syndrome. Identifiers: MedGen C1328577.
Oocyte maturation defect 3. Also called: OOCYTE/ZYGOTE/EMBRYO MATURATION ARREST 3. Identifiers: MedGen C4540205, MONDO:0021574, OMIM 617712.

Allele frequency attached by ClinVar (database versions not stated): gnomAD exomes below 0.00001.
gnomAD v4.1: 1 of 1,614,040 alleles (0.000062%); highest among the groups gnomAD compares: Non-Finnish European, 0.000085%; no homozygotes.

Submissions (3):

State Key Laboratory of Reproductive Medicine and Offspring Health, Nanjing Medical University
Classification: Likely pathogenic for Oocyte maturation defect 6. Last evaluated: 2026-03-16. Review status: no assertion criteria provided. Collection method: clinical testing. Allele origin: paternal. Affected: yes.

OMIM
Classification: Pathogenic for OOCYTE/ZYGOTE/EMBRYO MATURATION ARREST 3. Last evaluated: 2023-04-10. Review status: no assertion criteria provided. Collection method: literature only. Allele origin: germline.

Zi-Jiang Chen Lab, Shandong University
Classification: Pathogenic for Empty follicle syndrome. Review status: no assertion criteria provided. Collection method: research, phenotyping only. Allele origin: paternal, de novo. Inheritance: Autosomal dominant inheritance. Affected: yes. Observed: 2 variant alleles, 2 heterozygotes. Clinical features observed: HPO id:0031067 empty follicle syndrome.
Comment: We identified a heterozygous missense mutation of ZP3 c.400 G>A (NM_001110354.1) from a large family with multiple women affected by empty follicle syndrome (EFS). This mutation was also found in another big family affected by EFS as well as in two additional simplex cases with the same phenotype (the mutation of one of the simplex cases was de novo). The mutation was absent in public databases including dbSNP, 1000 Genomes Project, the NHLBI Exome Variant Server (EVS), the Exome Aggregation Consortium (ExAC) and gnomAD datebase. The mutation was also absent in our in-house 2,213 population-based Han Chinese controls and 400 healthy Han Chinese women with normal fertility.

Literature cited by the submitters: PubMed 32573113 (cited by State Key Laboratory of Reproductive Medicine and Offspring Health, Nanjing Medical University); PubMed 28886344 (cited by OMIM and Zi-Jiang Chen Lab, Shandong University).

NM_001110354.2(ZP3):c.400G>A (p.Ala134Thr)

Gene: ZP3 (zona pellucida glycoprotein 3; plus strand). Cytogenetic location: 7q11.23.
Variant type: single nucleotide variant.
Coding change: c.400G>A on transcript NM_001110354.2 (MANE Select); coding-DNA position 400, G replaced by A.
Protein change: p.Ala134Thr; replaces alanine 134 with threonine.
Molecular consequence: missense variant.
Genome position (GRCh38, 1-based): chr7:76,429,602, G>A. VCF-style: chr7-76429602-G-A. GRCh37 (hg19) VCF-style: chr7-76058919-G-A.
Other names: c.247G>A, p.Ala83Thr (NM_007155.6); short protein forms A134T, A83T.
Identifiers: ClinVar variation 437933 (VCV000437933.5), dbSNP rs1554625334, ClinGen allele CA367764118.